The following is an entry in ClinVar:

NM_000243.2(MEFV):c.[1105C>T;1223G>A]

Variant type: Haplotype.
Identifiers: ClinVar variation 974964 (VCV000974964.3).

ClinVar aggregate classification (germline): Uncertain significance (1 of 4 stars; one submission).

Submission:

Women's Health and Genetics/Laboratory Corporation of America, LabCorp
Classification: Uncertain significance. Last evaluated: 2022-03-02. Review status: criteria provided, single submitter. Criteria: LabCorp Variant Classification Summary - May 2015. Collection method: clinical testing. Allele origin: germline.
Comment: Variant summary: MEFV c.[1105C>T;1223G>A] (p.[Pro369Ser;Arg408Gln]) variant is a complex allele and involves the alteration of multiple nucleotides. They are commonly published in literature as P369S-R408Q or P369S/R408Q and are located in the B-box-type zinc finger domain of the protein (InterPro). The allele frequency of this complex variant could not be determined from population databases because the individual variants of the complex have variable frequencies and the exact number of alleles representing a combination of the two in cis is unknown. However, based on the frequency of the least prevalent allele, namely c.1223G>A, it can be estimated that the complex variant allele will be found at a frequency not to exceed 0.013 in 288838 control chromosomes, including 53 homozygotes in the gnomAD database. The variant allele was also found at a frequency of 0.015 in 6652 control chromosomes (including 5 homozygotes; 1000 genomes and publications). This frequency is not significantly higher than expected for a pathogenic variant in MEFV causing Familial Mediterranean Fever (0.013 vs 0.022), allowing no conclusion about variant significance. In a Japanese study, the frequency of each of several known disease-causing variants (M680I, M694V, and V726A) in the healthy population was <0.001 in comparison to the allele frequencies of P369S and R408Q, which were 0.057 and 0.054, respectively (Sugiura_2008). The nearly identical allele frequency for each of these variants in the Japanese population is suggestive that this complex allele is likely to represent at least 5% of the healthy Japanese population. The discrepancy between the relatively high allele frequencies of these polymorphisms and the low prevalence of FMF in the Japanese population may suggest a benign impact of the variants in the development of FMF. c.[1105C>T;1223G>A] has been widely reported in the literature in individuals affected with variable clinical features of Familial Mediterranean Fever, not always fulfilling the classic Tel-Hashomer criteria, in unaffected individuals and also in homozygous controls (example, Beheshtian_2016, Berdeli_2011, Hannan_2012, Coskun_2015, Sugiura_2008, Fugita_2019, Gumus_2018, Hoang_2019, Kmiura_2018, Ishikawa_2019). In a study that reported an Arabic family with variable clinical phenotypes of FMF and Hyper IgD syndrome (HIDS), parents of affected patients who were compound heterozygous for this complex variant and another pathogenic variant had no FMF symptoms. Furthermore, an alternative molecular diagnosis of HIDS due to homozygosity for a pathogenic variant in the MVK gene was confirmed in this family (Moussa_2013). In a Turkish study, frequency of this complex in FMF patient cohort was 4.26% (Berdeli_2011). The frequency of this complex allele variant in Turkish general population is unknown. In a study that included patients of European ancestry, this complex variant was found to be associated with a highly variable phenotype, and was infrequently associated with typical FMF symptoms (Ryan_2010). In two families (Feng 2009), the variant was shown to not co-segregate in all affected family members. Therefore, these reports do not provide unequivocal conclusions about an association of the variant with Familial Mediterranean Fever. At least one publication reports experimental evidence evaluating an impact on protein function (example, Ryan_2010). These results showed no damaging effect of this variant in its ability to bind proline serine threonine phosphatase interacting protein 1 (PSTPIP1) both in isolation or as a part of the complex allele. The authors speculated that "the possibility that alterations in binding that are too subtle to detect using in vitro techniques may have more pronounced effects in vivo cannot be ruled out". A possible contribution of this complex variant to atypical presentations of FMF or other inflammatory syndromes associated with a variable response to colchicine therapy limited to certain genetic and ethnic backgrounds (thus as a risk allele or modifier) cannot be ruled out. No other clinical diagnostic laboratories have submitted clinical-significance assessments for this complex variant combination to ClinVar after 2014. Based on the evidence outlined above, the variant was classified as VUS-possibly benign.

Literature cited by the submitters: PubMed 20041150; PubMed 10364520; PubMed 19934105; PubMed 18097735; PubMed 17665427; PubMed 21413889; PubMed 22467954; PubMed 23524442; PubMed 22906030; PubMed 23847694; PubMed 25703702; PubMed 27659338; PubMed 29735907; PubMed 30407166; PubMed 29526930; PubMed 27473114; PubMed 30996171; PubMed 25708585; PubMed 31139696.